The following is an entry in ClinVar:

NM_015178.3(RHOBTB2):c.1465C>G (p.Arg489Gly)

Gene: RHOBTB2 (Rho related BTB domain containing 2; plus strand). Cytogenetic location: 8p21.3.
Variant type: single nucleotide variant.
Coding change: c.1465C>G on transcript NM_015178.3 (MANE Select); coding-DNA position 1465, C replaced by G.
Protein change: p.Arg489Gly; replaces arginine 489 with glycine.
Molecular consequence: missense variant.
Genome position (GRCh38, 1-based): chr8:23,007,710, C>G. VCF-style: chr8-23007710-C-G. GRCh37 (hg19) VCF-style: chr8-22865223-C-G.
Other names: c.1531C>G, p.Arg511Gly (NM_001160036.2); c.1486C>G, p.Arg496Gly (NM_001160037.2); c.1465C>G, p.Arg489Gly (NM_001374791.1); short protein forms R511G, R489G, R496G.
Identifiers: ClinVar variation 870711 (VCV000870711.44), dbSNP rs1554504681, ClinGen allele CA370569440.
Genomic context (GRCh38, chr8:23,007,710, plus strand): 5'-AACAATGAGGCCTTCATGAACCAGGAGATCACCAAGGCCTTCCACGTCCGCCGGACCAAC[C>G]GGGTTAAGGAGTGCTTGGCAAAAGGCACCTTCTCAGGTATGGAACAGGCTTGGAAAGCAA-3'
Protein context (NP_055993.2, residues 479-499): TKAFHVRRTN[Arg489Gly]VKECLAKGTF

ClinVar aggregate classification (germline): Pathogenic/Likely pathogenic. Review status: criteria provided, multiple submitters, no conflicts (2 of 4 stars). 3 submissions from 3 submitters: Pathogenic (2); Likely pathogenic (1). Last evaluated 2021-10-02.

Conditions:
Developmental and epileptic encephalopathy, 64. Also called: EPILEPTIC ENCEPHALOPATHY, EARLY INFANTILE, 64. Identifiers: MedGen C4693899, MONDO:0033373, OMIM 618004.

Submissions (3):

3billion
Classification: Pathogenic for Developmental and epileptic encephalopathy, 64. Last evaluated: 2021-10-02. Review status: criteria provided, single submitter. Criteria: ACMG Guidelines, 2015. Collection method: clinical testing. Allele origin: unknown. Affected: yes. Observed: 1 heterozygote.
Comment: Same nucleotide change resulting in same amino acid change has been previously reported as pathogenic/likely pathogenic with strong evidence (ClinVar ID: VCV000495261.11, PS1). It is not observed in the gnomAD v2.1.1 dataset (PM2). A different missense change at the same codon (p.Arg489Gly) has been reported as pathogenic (ClinVar ID: VCV000870711.7, PM5). Missense changes are a common disease-causing mechanism (PP2). In silico tool predictions suggest damaging effect of the variant on gene or gene product (REVEL: 0.67, 3Cnet: 0.963, PP3). Therefore, this variant is classified as pathogenic according to the recommendation of ACMG/AMP guideline.

Institute of Medical Genetics and Applied Genomics, University Hospital Tübingen
Classification: Likely pathogenic. Last evaluated: 2020-10-23. Review status: criteria provided, single submitter. Criteria: ACMG Guidelines, 2015. Collection method: clinical testing. Allele origin: germline. Inheritance: Unknown mechanism. Affected: yes.

CeGaT Center for Human Genetics Tuebingen
Classification: Pathogenic. Last evaluated: 2019-03-01. Review status: criteria provided, single submitter. Criteria: CeGaT Center For Human Genetics Tuebingen Variant Classification Criteria Version 2. Collection method: clinical testing. Allele origin: germline. Affected: yes. Observed: 1 variant allele.